The following is an entry in ClinVar:

NM_025103.4(IFT74):c.306-2A>G

Gene: IFT74 (intraflagellar transport 74; plus strand). Cytogenetic location: 9p21.2.
Variant type: single nucleotide variant.
Coding change: c.306-2A>G on transcript NM_025103.4 (MANE Select); the canonical splice acceptor site of the intron before coding-DNA position 306, A replaced by G.
Molecular consequence: splice acceptor variant.
Genome position (GRCh38, 1-based): chr9:26,984,255, A>G. VCF-style: chr9-26984255-A-G. GRCh37 (hg19) VCF-style: chr9-26984253-A-G.
Other names: c.306-2A>G (NM_001099223.3, NM_001099222.3, NM_001349928.2 and 1 more transcripts).
Identifiers: ClinVar variation 2035209 (VCV002035209.4), dbSNP rs2489325501, ClinGen allele CA373127292.

ClinVar aggregate classification (germline): Likely pathogenic (1 of 4 stars; one submission).

Submission:

Labcorp Genetics (formerly Invitae), Labcorp
Classification: Likely pathogenic. Last evaluated: 2022-10-19. Review status: criteria provided, single submitter. Criteria: Invitae Variant Classification Sherloc (09022015). Collection method: clinical testing. Allele origin: germline.
Comment: In summary, the currently available evidence indicates that the variant is pathogenic, but additional data are needed to prove that conclusively. Therefore, this variant has been classified as Likely Pathogenic. Algorithms developed to predict the effect of sequence changes on RNA splicing suggest that this variant may disrupt the consensus splice site. This variant has not been reported in the literature in individuals affected with IFT74-related conditions. This variant is not present in population databases (gnomAD no frequency). This sequence change affects an acceptor splice site in intron 4 of the IFT74 gene. It is expected to disrupt RNA splicing. Variants that disrupt the donor or acceptor splice site typically lead to a loss of protein function (PMID: 16199547), and loss-of-function variants in IFT74 are known to be pathogenic (PMID: 33531668).

Literature cited by the submitters: PubMed 16199547; PubMed 33531668.